The following is an entry in ClinVar:

ClinVar aggregate classification (germline): Uncertain significance (1 of 4 stars; one submission).

Conditions:
Hermansky-Pudlak syndrome 2 (HPS2). Also called: Platelet defects and oculocutaneous albinism. Identifiers: Orphanet 183678, Orphanet 79430, MedGen C1842362, MONDO:0011997, OMIM 608233.

Allele frequency attached by ClinVar (database versions not stated): gnomAD 0.00001; gnomAD exomes 0.00001 and 0.00002; TOPMed 0.00001.
gnomAD v4.1: 10 of 1,611,656 alleles (0.00062%); highest among the groups gnomAD compares: Non-Finnish European, 0.00085%; no homozygotes.

Submission:

Labcorp Genetics (formerly Invitae), Labcorp
Classification: Uncertain significance for Hermansky-Pudlak syndrome 2. Last evaluated: 2020-05-13. Review status: criteria provided, single submitter. Criteria: Invitae Variant Classification Sherloc (09022015). Collection method: clinical testing. Allele origin: germline.
Comment: This sequence change replaces lysine with glutamic acid at codon 658 of the AP3B1 protein (p.Lys658Glu). The lysine residue is moderately conserved and there is a small physicochemical difference between lysine and glutamic acid. In summary, the available evidence is currently insufficient to determine the role of this variant in disease. Therefore, it has been classified as a Variant of Uncertain Significance. Algorithms developed to predict the effect of missense changes on protein structure and function (SIFT, PolyPhen-2, Align-GVGD) all suggest that this variant is likely to be tolerated, but these predictions have not been confirmed by published functional studies and their clinical significance is uncertain. This variant has not been reported in the literature in individuals with AP3B1-related conditions. This variant is not present in population databases (ExAC no frequency).

NM_003664.5(AP3B1):c.1972A>G (p.Lys658Glu)

Gene: AP3B1 (adaptor related protein complex 3 subunit beta 1; minus strand). Cytogenetic location: 5q14.1.
Variant type: single nucleotide variant.
Coding change: c.1972A>G on transcript NM_003664.5 (MANE Select); coding-DNA position 1972, A replaced by G.
Protein change: p.Lys658Glu; replaces lysine 658 with glutamic acid.
Molecular consequence: missense variant.
Genome position (GRCh38, 1-based): chr5:78,116,231, T>C on the plus strand (A>G on the coding strand, the complement: AP3B1 is on the minus strand). VCF-style: chr5-78116231-T-C. GRCh37 (hg19) VCF-style: chr5-77412055-T-C.
Other names: c.1825A>G, p.Lys609Glu (NM_001271769.2); short protein forms K609E, K658E.
Identifiers: ClinVar variation 1005371 (VCV001005371.6), dbSNP rs1357683810, ClinGen allele CA360185504.